The following is an entry in ClinVar:

ClinVar aggregate classification (germline): Likely pathogenic (1 of 4 stars; one submission).

Allele frequency attached by ClinVar (database versions not stated): TOPMed below 0.00001.

Submission:

Labcorp Genetics (formerly Invitae), Labcorp
Classification: Likely pathogenic. Last evaluated: 2023-04-28. Review status: criteria provided, single submitter. Criteria: Invitae Variant Classification Sherloc (09022015). Collection method: clinical testing. Allele origin: germline.
Comment: In summary, the currently available evidence indicates that the variant is pathogenic, but additional data are needed to prove that conclusively. Therefore, this variant has been classified as Likely Pathogenic. Algorithms developed to predict the effect of sequence changes on RNA splicing suggest that this variant may disrupt the consensus splice site. This variant has not been reported in the literature in individuals affected with MFF-related conditions. This variant is not present in population databases (gnomAD no frequency). This sequence change affects a donor splice site in intron 3 of the MFF gene. It is expected to disrupt RNA splicing. Variants that disrupt the donor or acceptor splice site typically lead to a loss of protein function (PMID: 16199547), and loss-of-function variants in MFF are known to be pathogenic (PMID: 22499341, 26783368).

Literature cited by the submitters: PubMed 16199547; PubMed 22499341; PubMed 26783368.

NM_001277062.2(MFF):c.-40-842G>A

Gene: MFF (mitochondrial fission factor; plus strand). Cytogenetic location: 2q36.3.
Variant type: single nucleotide variant.
Coding change: c.-40-842G>A on transcript NM_001277062.2 (MANE Select); 842 bases into the intron before 40 bases upstream of the start codon, G replaced by A.
Molecular consequence: intron variant. On other transcripts: splice donor variant (3).
Genome position (GRCh38, 1-based): chr2:227,329,784, G>A. VCF-style: chr2-227329784-G-A. GRCh37 (hg19) VCF-style: chr2-228194500-G-A.
Other names: c.38+1G>A (NM_001277061.2, NM_020194.5); c.-40-842G>A (NM_001277063.2, NM_001277064.2, NM_001277065.2 and 2 more transcripts); c.-36+1G>A (NM_001277067.1).
Identifiers: ClinVar variation 2799790 (VCV002799790.3), dbSNP rs1574886182, ClinGen allele CA350869023.